The following is an entry in ClinVar:

ClinVar aggregate classification (germline): Likely benign (1 of 4 stars; one submission).

Submission:

Mayo Clinic Laboratories, Mayo Clinic
Classification: Likely benign. Last evaluated: 2025-09-14. Review status: criteria provided, single submitter. Criteria: ACMG Guidelines, 2015. Collection method: clinical testing. Allele origin: germline. Observed: 2 variant alleles.
Comment: BP4, BP7

NM_001009944.3(PKD1):c.3879C>T (p.Val1293=)

Gene: PKD1 (polycystin 1, transient receptor potential channel interacting; minus strand). Cytogenetic location: 16p13.3.
Variant type: single nucleotide variant.
Coding change: c.3879C>T on transcript NM_001009944.3 (MANE Select); coding-DNA position 3879, C replaced by T.
Protein change: p.Val1293=; no amino-acid change (valine 1293 retained).
Molecular consequence: synonymous variant.
Genome position (GRCh38, 1-based): chr16:2,111,288, G>A on the plus strand (C>T on the coding strand, the complement: PKD1 is on the minus strand). VCF-style: chr16-2111288-G-A. GRCh37 (hg19) VCF-style: chr16-2161289-G-A.
Other names: p.Val1293=; c.3879C>T, p.Val1293= (NM_000296.4).
Identifiers: ClinVar variation 4684059 (VCV004684059.1).